The following is an entry in ClinVar:

ClinVar aggregate classification (germline): Uncertain significance (1 of 4 stars; one submission).

Conditions:
Fibrous dysplasia of jaw (CRBM). Also called: Cherubism. Identifiers: Orphanet 184, MedGen C0008029, MONDO:0007315, OMIM 118400.

gnomAD v4.1: 4 of 1,576,686 alleles (0.00025%); highest among the groups gnomAD compares: Admixed American, 0.0018%; no homozygotes.

Submission:

Labcorp Genetics (formerly Invitae), Labcorp
Classification: Uncertain significance for Fibrous dysplasia of jaw. Last evaluated: 2024-09-14. Review status: criteria provided, single submitter. Criteria: Invitae Variant Classification Sherloc (09022015). Collection method: clinical testing. Allele origin: germline.
Comment: This sequence change replaces threonine, which is neutral and polar, with isoleucine, which is neutral and non-polar, at codon 142 of the SH3BP2 protein (p.Thr142Ile). The frequency data for this variant in the population databases is considered unreliable, as metrics indicate poor data quality at this position in the gnomAD database. This variant has not been reported in the literature in individuals affected with SH3BP2-related conditions. Invitae Evidence Modeling of protein sequence and biophysical properties (such as structural, functional, and spatial information, amino acid conservation, physicochemical variation, residue mobility, and thermodynamic stability) indicates that this missense variant is not expected to disrupt SH3BP2 protein function with a negative predictive value of 80%. In summary, the available evidence is currently insufficient to determine the role of this variant in disease. Therefore, it has been classified as a Variant of Uncertain Significance.

NM_001122681.2(SH3BP2):c.425C>T (p.Thr142Ile)

Gene: SH3BP2 (SH3 domain binding protein 2; plus strand). Cytogenetic location: 4p16.3.
Variant type: single nucleotide variant.
Coding change: c.425C>T on transcript NM_001122681.2 (MANE Select); coding-DNA position 425, C replaced by T.
Protein change: p.Thr142Ile; replaces threonine 142 with isoleucine.
Molecular consequence: missense variant.
Genome position (GRCh38, 1-based): chr4:2,825,193, C>T. VCF-style: chr4-2825193-C-T. GRCh37 (hg19) VCF-style: chr4-2826920-C-T.
Other names: c.509C>T, p.Thr170Ile (NM_001145855.2); c.596C>T, p.Thr199Ile (NM_001145856.2); c.425C>T, p.Thr142Ile (NM_003023.4); short protein forms T199I, T142I, T170I.
Identifiers: ClinVar variation 3695123 (VCV003695123.2).
Genomic context (GRCh38, chr4:2,825,193, plus strand): 5'-TGGCCTTGCTGCGCAGGGAGATTGGCCACTTCCACGAAAAGAAAGACCTGCCCTTGGACA[C>T]CAGGTGAGCCCGGGCCCAGGGCATACCGGGCAGTGAGGGTCCCTGGGGCGCCTGGGCCTG-3'
Protein context (NP_001116153.1, residues 132-152): FHEKKDLPLD[Thr142Ile]SDSSSDTDSF